The following is an entry in ClinVar:

ClinVar aggregate classification (germline): Benign/Likely benign. Review status: criteria provided, multiple submitters, no conflicts (2 of 4 stars). 4 submissions from 4 submitters: Benign (1); Likely benign (3). Last evaluated 2025-08-31.

Conditions:
KDM6A-related disorder. Also called: KDM6A-related condition.
Kabuki syndrome 2 (KABUK2). Also called: KDM6A-Related Kabuki Syndrome. Identifiers: Orphanet 2322, MedGen C3275495, MONDO:0010465, OMIM 300867.

Allele frequency attached by ClinVar (database versions not stated): TOPMed 0.00005; gnomAD 0.00006; ESP Exome Variant Server 0.00009; ExAC 0.00019.
gnomAD v4.1: 66 of 1,207,394 alleles (0.0055%); highest among the groups gnomAD compares: Non-Finnish European, 0.0044%; no homozygotes.

Submissions (4):

Labcorp Genetics (formerly Invitae), Labcorp
Classification: Benign for Kabuki syndrome 2. Last evaluated: 2025-08-31. Review status: criteria provided, single submitter. Criteria: Invitae Variant Classification Sherloc (09022015). Collection method: clinical testing. Allele origin: germline.

PreventionGenetics, part of Exact Sciences
Classification: Likely benign for KDM6A-related condition. Last evaluated: 2025-06-25. Review status: criteria provided, single submitter. Criteria: ACMG Guidelines, 2015. Collection method: clinical testing. Allele origin: germline.
Comment: This variant is classified as likely benign based on ACMG/AMP sequence variant interpretation guidelines (Richards et al. 2015 PMID: 25741868, with internal and published modifications).

Laboratory of Genetics, Children's Clinical University Hospital Latvia
Classification: Likely benign. Last evaluated: 2025-02-16. Review status: criteria provided, single submitter. Criteria: ACMG Guidelines, 2015. Collection method: clinical testing. Allele origin: germline. Affected: yes.

Blueprint Genetics
Classification: Likely benign. Last evaluated: 2023-05-16. Review status: criteria provided, single submitter. Criteria: ACMG Guidelines, 2015. Collection method: clinical testing. Allele origin: germline.

NM_001291415.2(KDM6A):c.1215A>T (p.Pro405=)

Gene: KDM6A (lysine demethylase 6A; plus strand). Cytogenetic location: Xp11.3.
Variant type: single nucleotide variant.
Coding change: c.1215A>T on transcript NM_001291415.2 (MANE Select); coding-DNA position 1215, A replaced by T.
Protein change: p.Pro405=; no amino-acid change (proline 405 retained).
Molecular consequence: synonymous variant. On other transcripts: intron variant (6).
Genome position (GRCh38, 1-based): chrX:45,060,042, A>T. VCF-style: chrX-45060042-A-T. GRCh37 (hg19) VCF-style: chrX-44919287-A-T.
Other names: c.1215A>T, p.Pro405= (NM_001410742.1, NM_001419809.1, NM_001419810.1 and 4 more transcripts); c.1195-567A>T (NM_001419811.1, NM_001291416.2); c.1194+576A>T (NM_001291417.2, NM_001419815.1, NM_001291418.2); c.441+576A>T (NM_001291421.2); c.1215A>T (NM_021140.3).
Identifiers: ClinVar variation 2783249 (VCV002783249.6), dbSNP rs374076172, ClinGen allele CA10392334.